The following is an entry in ClinVar:

NM_000284.4(PDHA1):c.430G>C (p.Gly144Arg)

Gene: PDHA1 (pyruvate dehydrogenase E1 subunit alpha 1; plus strand). Cytogenetic location: Xp22.12.
Variant type: single nucleotide variant.
Coding change: c.430G>C on transcript NM_000284.4 (MANE Select); coding-DNA position 430, G replaced by C.
Protein change: p.Gly144Arg; replaces glycine 144 with arginine.
Molecular consequence: missense variant.
Genome position (GRCh38, 1-based): chrX:19,353,093, G>C. VCF-style: chrX-19353093-G-C. GRCh37 (hg19) VCF-style: chrX-19371211-G-C.
Other names: c.544G>C, p.Gly182Arg (NM_001173454.2); c.451G>C, p.Gly151Arg (NM_001173455.2); c.430G>C, p.Gly144Arg (NM_001173456.2); short protein forms G144R, G151R, G182R.
Identifiers: ClinVar variation 4070321 (VCV004070321.1).

ClinVar aggregate classification (germline): Likely pathogenic (0 of 4 stars; one submission).

Conditions:
Pyruvate dehydrogenase E1-alpha deficiency (PDHAD). Also called: ATAXIA, INTERMITTENT, WITH PYRUVATE DEHYDROGENASE DEFICIENCY; ATAXIA WITH LACTIC ACIDOSIS I; ATAXIA, INTERMITTENT, WITH ABNORMAL PYRUVATE METABOLISM; Ataxia, intermittent, with pyruvate dehydrogenase, or decarboxylase, deficiency. Identifiers: Orphanet 79243, MedGen C1839413, MONDO:0010717, OMIM 312170.

Submission:

PDHA1 Study Group, University Children’s Hospital, Paracelsus Medical University
Classification: Likely pathogenic for Pyruvate dehydrogenase E1-alpha deficiency. Last evaluated: 2024-10-15. Review status: no assertion criteria provided. Collection method: research. Allele origin: germline. Affected: yes. Observed: 1 variant allele.
Comment: The NM_000284.3:c.430G>C (p.Gly144Arg) substitution is a missense variant in PDHA1 gene. Last literature search: July 12, 2024. This variant is absent or extremely rare in population-based cohorts in the Genome Aggregation Database (gnomAD). Individuals harboring this variant presented with clinical features compatible with PDHA1-related PDHc deficiency. In summary, this variant meets criteria to be classified as likely pathogenic (LP) for PDHA1-related PDHc deficiency based on the ACMG/AMP criteria applied: PM1, PM2, PM5, PM7, PP3 (last assessment October 15, 2024).

Literature cited by the submitters: DOI 10.1093/brain/awaf430.